The following is an entry in ClinVar:

ClinVar aggregate classification (germline): Uncertain significance (1 of 4 stars; one submission).

Allele frequency attached by ClinVar (database versions not stated): gnomAD exomes below 0.00001; TOPMed below 0.00001.

Submission:

GeneDx
Classification: Uncertain significance. Last evaluated: 2022-06-23. Review status: criteria provided, single submitter. Criteria: GeneDx Variant Classification Process June 2021. Collection method: clinical testing. Allele origin: germline. Affected: yes.
Comment: Not observed at significant frequency in large population cohorts (gnomAD); In silico analysis supports that this missense variant does not alter protein structure/function; Has not been previously published as pathogenic or benign to our knowledge

NM_001394372.1(BICRA):c.905A>G (p.Asn302Ser)

Gene: BICRA (BRD4 interacting chromatin remodeling complex associated protein; plus strand). Cytogenetic location: 19q13.33.
Variant type: single nucleotide variant.
Coding change: c.905A>G on transcript NM_001394372.1 (MANE Select); coding-DNA position 905, A replaced by G.
Protein change: p.Asn302Ser; replaces asparagine 302 with serine.
Molecular consequence: missense variant.
Genome position (GRCh38, 1-based): chr19:47,680,075, A>G. VCF-style: chr19-47680075-A-G. GRCh37 (hg19) VCF-style: chr19-48183332-A-G.
Other names: c.905A>G, p.Asn302Ser (NM_015711.3); short protein forms N302S.
Identifiers: ClinVar variation 1806555 (VCV001806555.1), dbSNP rs1162910845, ClinGen allele CA406611056.